The following is an entry in ClinVar:

ClinVar aggregate classification (germline): Benign/Likely benign. Review status: criteria provided, multiple submitters, no conflicts (2 of 4 stars). 3 submissions from 3 submitters: Benign (2); Likely benign (1). Last evaluated 2026-01-18.

Conditions:
Retinal cone dystrophy 4 (RCD4). Identifiers: Orphanet 1872, MedGen C1864849, MONDO:0012507, OMIM 610478.

Allele frequency attached by ClinVar (database versions not stated): gnomAD 0.00015 and 0.00028; TOPMed 0.00025; gnomAD exomes 0.00039 and 0.00048; 1000 Genomes Project 30x 0.00078; 1000 Genomes Project 0.00100; ExAC 0.00115.
gnomAD v4.1: 595 of 1,589,154 alleles (0.037%); highest among the groups gnomAD compares: East Asian, 1.3%; 4 homozygotes.

Submissions (3):

Labcorp Genetics (formerly Invitae), Labcorp
Classification: Benign. Last evaluated: 2026-01-18. Review status: criteria provided, single submitter. Criteria: Invitae Variant Classification Sherloc (09022015). Collection method: clinical testing. Allele origin: germline.

Blueprint Genetics
Classification: Likely benign. Last evaluated: 2024-10-03. Review status: criteria provided, single submitter. Criteria: ACMG Guidelines, 2015. Collection method: clinical testing. Allele origin: germline.

Illumina Laboratory Services, Illumina
Classification: Benign for Retinal cone dystrophy 4. Last evaluated: 2018-01-13. Review status: criteria provided, single submitter. Criteria: ICSL Variant Classification Criteria 13 December 2019. Collection method: clinical testing. Allele origin: germline.
Comment: This variant was observed in the ICSL laboratory as part of a predisposition screen in an ostensibly healthy population. It had not been previously curated by ICSL or reported in the Human Gene Mutation Database (HGMD: prior to June 1st, 2018), and was therefore a candidate for classification through an automated scoring system. Utilizing variant allele frequency, disease prevalence and penetrance estimates, and inheritance mode, an automated score was calculated to assess if this variant is too frequent to cause the disease. Based on the score and internal cut-off values, a variant classified as benign is not then subjected to further curation. The score for this variant resulted in a classification of benign for this disease.

NM_172364.5(CACNA2D4):c.227+11C>T

Gene: CACNA2D4 (calcium voltage-gated channel auxiliary subunit alpha2delta 4; minus strand). Cytogenetic location: 12p13.33.
Variant type: single nucleotide variant.
Coding change: c.227+11C>T on transcript NM_172364.5 (MANE Select); 11 bases into the intron after coding-DNA position 227, C replaced by T.
Molecular consequence: intron variant.
Genome position (GRCh38, 1-based): chr12:1,918,236, G>A on the plus strand (C>T on the coding strand, the complement: CACNA2D4 is on the minus strand). VCF-style: chr12-1918236-G-A. GRCh37 (hg19) VCF-style: chr12-2027402-G-A.
Identifiers: ClinVar variation 307872 (VCV000307872.13), dbSNP rs75470223, ClinGen allele CA6387650.